The following is an entry in ClinVar:

NM_001127198.5(TMC6):c.1A>G (p.Met1Val)

Gene: TMC6 (transmembrane channel like 6; minus strand). Cytogenetic location: 17q25.3.
Variant type: single nucleotide variant.
Coding change: c.1A>G on transcript NM_001127198.5 (MANE Select); coding-DNA position 1, A replaced by G.
Protein change: p.Met1Val; changes the start codon (methionine 1).
Molecular consequence: missense variant, initiator codon variant. On other transcripts: non-coding transcript variant (4).
Genome position (GRCh38, 1-based): chr17:78,126,832, T>C on the plus strand (A>G on the coding strand, the complement: TMC6 is on the minus strand). VCF-style: chr17-78126832-T-C. GRCh37 (hg19) VCF-style: chr17-76122913-T-C.
Other names: c.1A>G, p.Met1Val (NM_001321185.1, NM_001374593.1, NM_001374594.1 and 4 more transcripts); short protein forms M1V.
Identifiers: ClinVar variation 1384774 (VCV001384774.7), dbSNP rs1598878219, ClinGen allele CA401237275.
Genomic context (GRCh38, chr17:78,126,832, plus strand): 5'-CTTACCCCTGGTCCCCTGGGGTCTCAGGGACATCGAGGATGAAGGCCAGTGGCTGGGCCA[T>C]GTCTCTGGCCAATGCCCGCTAGTCTGCAGACCTAGGGTAGCTCAGAGCCTGGGCGCCACC-3'
Protein context (NP_001120670.1, residues 1-11): [Met1Val]AQPLAFILDV

ClinVar aggregate classification (germline): Uncertain significance (1 of 4 stars; one submission).

Conditions:
Epidermodysplasia verruciformis. Identifiers: Orphanet 302, MedGen C0014522, MONDO:0009176.

Allele frequency attached by ClinVar (database versions not stated): gnomAD exomes below 0.00001.

Submission:

Labcorp Genetics (formerly Invitae), Labcorp
Classification: Uncertain significance for Epidermodysplasia verruciformis. Last evaluated: 2021-10-05. Review status: criteria provided, single submitter. Criteria: Invitae Variant Classification Sherloc (09022015). Collection method: clinical testing. Allele origin: germline.
Comment: This sequence change affects the initiator methionine of the TMC6 mRNA. The next in-frame methionine is located at codon 85. This variant is not present in population databases (ExAC no frequency). This variant has not been reported in the literature in individuals affected with TMC6-related conditions. In summary, the available evidence is currently insufficient to determine the role of this variant in disease. Therefore, it has been classified as a Variant of Uncertain Significance.